The following is an entry in ClinVar:

ClinVar aggregate classification (germline): Uncertain significance (1 of 4 stars; one submission).

gnomAD v4.1: 36 of 1,552,798 alleles (0.0023%); highest among the groups gnomAD compares: Middle Eastern, 0.017%; no homozygotes.

Submission:

GeneDx
Classification: Uncertain significance. Last evaluated: 2026-04-10. Review status: criteria provided, single submitter. Criteria: GeneDx Variant Classification Process June 2021. Collection method: clinical testing. Allele origin: germline.
Comment: In silico analysis suggests that this missense variant does not alter protein structure/function; Has not been previously published as pathogenic or benign to our knowledge

NM_016333.4(SRRM2):c.8150G>A (p.Arg2717Gln)

Gene: SRRM2 (serine/arginine repetitive matrix 2; plus strand). Cytogenetic location: 16p13.3.
Variant type: single nucleotide variant.
Coding change: c.8150G>A on transcript NM_016333.4 (MANE Select); coding-DNA position 8150, G replaced by A.
Protein change: p.Arg2717Gln; replaces arginine 2717 with glutamine.
Molecular consequence: missense variant.
Genome position (GRCh38, 1-based): chr16:2,770,618, G>A. VCF-style: chr16-2770618-G-A. GRCh37 (hg19) VCF-style: chr16-2820619-G-A.
Other names: short protein forms R2717Q.
Identifiers: ClinVar variation 5018413 (VCV005018413.1).